The following is an entry in ClinVar:

NM_000070.3(CAPN3):c.1834A>C (p.Asn612His)

Gene: CAPN3 (calpain 3; plus strand). Cytogenetic location: 15q15.1.
Variant type: single nucleotide variant.
Coding change: c.1834A>C on transcript NM_000070.3 (MANE Select); coding-DNA position 1834, A replaced by C.
Protein change: p.Asn612His; replaces asparagine 612 with histidine.
Molecular consequence: missense variant. On other transcripts: intron variant (3).
Genome position (GRCh38, 1-based): chr15:42,408,244, A>C. VCF-style: chr15-42408244-A-C. GRCh37 (hg19) VCF-style: chr15-42700442-A-C.
Other names: c.1816A>C, p.Asn606His (NM_024344.2); c.298A>C, p.Asn100His (NM_173088.2); c.*932A>C (NM_212464.2); c.*1509A>C (NM_212467.2); c.1639-1059A>C (NM_173087.2); c.1834A>C (NM_000070.2); c.-81-1059A>C (NM_173090.2, NM_173089.2); short protein forms N606H, N100H, N612H.
Identifiers: ClinVar variation 2148706 (VCV002148706.5), dbSNP rs762486242, ClinGen allele CA7511570.

ClinVar aggregate classification (germline): Uncertain significance. Review status: criteria provided, multiple submitters, no conflicts (2 of 4 stars). 3 submissions from 3 submitters: Uncertain significance (3). Last evaluated 2025-02-19.

Conditions:
Inborn genetic diseases. Identifiers: MedGen C0950123, MeSH D030342.
Autosomal recessive limb-girdle muscular dystrophy type 2A (LGMDR1). Also called: Limb-girdle muscular dystrophy, type 2A; Calpainopathy; LEYDEN-MOEBIUS MUSCULAR DYSTROPHY; MUSCULAR DYSTROPHY, PELVOFEMORAL; Muscular dystrophy, limb-girdle, type 2A, Amish. Identifiers: Orphanet 267, MedGen C1869123, MONDO:0009675, OMIM 253600. Disease mechanism: loss of function.

Allele frequency attached by ClinVar (database versions not stated): ExAC 0.00001; gnomAD exomes 0.00001; gnomAD 0.00003; TOPMed 0.00005.
gnomAD v4.1: 13 of 1,613,724 alleles (0.00081%); highest among the groups gnomAD compares: African/African-American, 0.015%; no homozygotes.

Submissions (3):

Labcorp Genetics (formerly Invitae), Labcorp
Classification: Uncertain significance for Autosomal recessive limb-girdle muscular dystrophy type 2A. Last evaluated: 2025-02-19. Review status: criteria provided, single submitter. Criteria: Invitae Variant Classification Sherloc (09022015). Collection method: clinical testing. Allele origin: germline.
Comment: This sequence change replaces asparagine, which is neutral and polar, with histidine, which is basic and polar, at codon 612 of the CAPN3 protein (p.Asn612His). This variant is present in population databases (rs762486242, gnomAD 0.004%). This variant has not been reported in the literature in individuals affected with CAPN3-related conditions. ClinVar contains an entry for this variant (Variation ID: 2148706). Invitae Evidence Modeling of protein sequence and biophysical properties (such as structural, functional, and spatial information, amino acid conservation, physicochemical variation, residue mobility, and thermodynamic stability) indicates that this missense variant is not expected to disrupt CAPN3 protein function with a negative predictive value of 80%. In summary, the available evidence is currently insufficient to determine the role of this variant in disease. Therefore, it has been classified as a Variant of Uncertain Significance.

Ambry Genetics
Classification: Uncertain significance for Inborn genetic diseases. Last evaluated: 2023-05-09. Review status: criteria provided, single submitter. Criteria: Ambry Variant Classification Scheme 2023. Collection method: clinical testing. Allele origin: germline.

Women's Health and Genetics/Laboratory Corporation of America, LabCorp
Classification: Uncertain significance. Last evaluated: 2023-03-02. Review status: criteria provided, single submitter. Criteria: LabCorp Variant Classification Summary - May 2015. Collection method: clinical testing. Allele origin: germline.
Comment: Variant summary: CAPN3 c.1834A>C (p.Asn612His) results in a conservative amino acid change in the encoded protein sequence. Three of five in-silico tools predict a damaging effect of the variant on protein function. The variant allele was found at a frequency of 4e-06 in 251434 control chromosomes. The available data on variant occurrences in the general population are insufficient to allow any conclusion about variant significance. To our knowledge, no occurrence of c.1834A>C in individuals affected with Limb-Girdle Muscular Dystrophy, Autosomal Recessive and no experimental evidence demonstrating its impact on protein function have been reported. One submitter has provided a clinical-significance assessment for this variant to ClinVar after 2014, and classified the variant as uncertain significance. Based on the evidence outlined above, the variant was classified as uncertain significance.